The following is an entry in ClinVar:

NM_001330588.2(TPP2):c.3232G>A (p.Ala1078Thr)

Gene: TPP2 (tripeptidyl peptidase 2; plus strand). Cytogenetic location: 13q33.1.
Variant type: single nucleotide variant.
Coding change: c.3232G>A on transcript NM_001330588.2 (MANE Select); coding-DNA position 3232, G replaced by A.
Protein change: p.Ala1078Thr; replaces alanine 1078 with threonine.
Molecular consequence: missense variant. On other transcripts: non-coding transcript variant (1).
Genome position (GRCh38, 1-based): chr13:102,663,736, G>A. VCF-style: chr13-102663736-G-A. GRCh37 (hg19) VCF-style: chr13-103316086-G-A.
Other names: c.3193G>A, p.Ala1065Thr (NM_001367947.1, NM_003291.4); short protein forms A1065T, A1078T.
Identifiers: ClinVar variation 1000647 (VCV001000647.8), dbSNP rs1884407587, ClinGen allele CA388506638.

ClinVar aggregate classification (germline): Uncertain significance (1 of 4 stars; one submission).

Conditions:
Evans syndrome, immunodeficiency, and premature immunosenescence associated with tripeptidyl-peptidase II deficiency. Identifiers: MedGen CN231723. Disease mechanism: loss of function.

Allele frequency attached by ClinVar (database versions not stated): gnomAD exomes below 0.00001.
gnomAD v4.1: 1 of 1,598,170 alleles (0.000063%); no homozygotes.

Submission:

Labcorp Genetics (formerly Invitae), Labcorp
Classification: Uncertain significance for Evans syndrome, immunodeficiency, and premature immunosenescence associated with tripeptidyl-peptidase II deficiency. Last evaluated: 2020-07-29. Review status: criteria provided, single submitter. Criteria: Invitae Variant Classification Sherloc (09022015). Collection method: clinical testing. Allele origin: germline.
Comment: This sequence change replaces alanine with threonine at codon 1065 of the TPP2 protein (p.Ala1065Thr). The alanine residue is moderately conserved and there is a small physicochemical difference between alanine and threonine. This variant is not present in population databases (ExAC no frequency). This variant has not been reported in the literature in individuals with TPP2-related conditions. Algorithms developed to predict the effect of missense changes on protein structure and function (SIFT, PolyPhen-2, Align-GVGD) all suggest that this variant is likely to be tolerated, but these predictions have not been confirmed by published functional studies and their clinical significance is uncertain. In summary, the available evidence is currently insufficient to determine the role of this variant in disease. Therefore, it has been classified as a Variant of Uncertain Significance.